The following is an entry in ClinVar:

NM_001372076.1(PAX9):c.458C>A (p.Ala153Glu)

Gene: PAX9 (paired box 9; plus strand). Cytogenetic location: 14q13.3.
Variant type: single nucleotide variant.
Coding change: c.458C>A on transcript NM_001372076.1 (MANE Select); coding-DNA position 458, C replaced by A.
Protein change: p.Ala153Glu; replaces alanine 153 with glutamic acid.
Molecular consequence: missense variant.
Genome position (GRCh38, 1-based): chr14:36,663,350, C>A. VCF-style: chr14-36663350-C-A. GRCh37 (hg19) VCF-style: chr14-37132555-C-A.
Other names: c.458C>A (NM_006194.3); c.458C>A, p.Ala153Glu (NM_006194.4); short protein forms A153E.
Identifiers: ClinVar variation 2055778 (VCV002055778.7), dbSNP rs773508045, ClinGen allele CA7158964.

ClinVar aggregate classification (germline): Uncertain significance. Review status: criteria provided, multiple submitters, no conflicts (2 of 4 stars). 2 submissions from 2 submitters: Uncertain significance (2). Last evaluated 2025-11-08.

Conditions:
Inborn genetic diseases. Identifiers: MedGen C0950123, MeSH D030342.
Hypodontia. Also called: Partial congenital absence of teeth; TOOTH AGENESIS, FAMILIAL; Tooth agenesis, selective. Identifiers: Orphanet 99798, MedGen C0020608, MONDO:0005486, HP:0000668. Disease mechanism: loss of function.

Allele frequency attached by ClinVar (database versions not stated): gnomAD 0.00009.
gnomAD v4.1: 134 of 1,613,994 alleles (0.0083%); highest among the groups gnomAD compares: Middle Eastern, 0.066%; 1 homozygote.

Submissions (2):

Ambry Genetics
Classification: Uncertain significance for Inborn genetic diseases. Last evaluated: 2025-11-08. Review status: criteria provided, single submitter. Criteria: Ambry Variant Classification Scheme 2023. Collection method: clinical testing. Allele origin: germline.

Labcorp Genetics (formerly Invitae), Labcorp
Classification: Uncertain significance for Hypodontia. Last evaluated: 2024-05-22. Review status: criteria provided, single submitter. Criteria: Invitae Variant Classification Sherloc (09022015). Collection method: clinical testing. Allele origin: germline.
Comment: This sequence change replaces alanine, which is neutral and non-polar, with glutamic acid, which is acidic and polar, at codon 153 of the PAX9 protein (p.Ala153Glu). The frequency data for this variant in the population databases is considered unreliable, as metrics indicate poor data quality at this position in the gnomAD database. This variant has not been reported in the literature in individuals affected with PAX9-related conditions. ClinVar contains an entry for this variant (Variation ID: 2055778). Advanced modeling of protein sequence and biophysical properties (such as structural, functional, and spatial information, amino acid conservation, physicochemical variation, residue mobility, and thermodynamic stability) performed at Invitae indicates that this missense variant is not expected to disrupt PAX9 protein function with a negative predictive value of 80%. In summary, the available evidence is currently insufficient to determine the role of this variant in disease. Therefore, it has been classified as a Variant of Uncertain Significance.